The following is an entry in ClinVar:

ClinVar aggregate classification (germline): Uncertain significance (1 of 4 stars; one submission).

Conditions:
Familial adenomatous polyposis 1 (FAP1). Also called: FAMILIAL ADENOMATOUS POLYPOSIS 1, ATTENUATED; POLYPOSIS, ADENOMATOUS INTESTINAL. Identifiers: MedGen C2713442, MONDO:0021056, OMIM 175100. Disease mechanism: loss of function.

Submission:

Labcorp Genetics (formerly Invitae), Labcorp
Classification: Uncertain significance for Familial adenomatous polyposis 1. Last evaluated: 2021-09-02. Review status: criteria provided, single submitter. Criteria: Invitae Variant Classification Sherloc (09022015). Collection method: clinical testing. Allele origin: germline.
Comment: In summary, the available evidence is currently insufficient to determine the role of this variant in disease. Therefore, it has been classified as a Variant of Uncertain Significance. Algorithms developed to predict the effect of missense changes on protein structure and function (SIFT, PolyPhen-2, Align-GVGD) all suggest that this variant is likely to be tolerated. This variant has not been reported in the literature in individuals affected with APC-related conditions. This variant is not present in population databases (ExAC no frequency). This sequence change replaces threonine with serine at codon 820 of the APC protein (p.Thr820Ser). The threonine residue is highly conserved and there is a small physicochemical difference between threonine and serine.

NM_000038.6(APC):c.2458A>T (p.Thr820Ser)

Gene: APC (APC regulator of Wnt signaling pathway; plus strand). Cytogenetic location: 5q22.2.
Variant type: single nucleotide variant.
Coding change: c.2458A>T on transcript NM_000038.6 (MANE Select); coding-DNA position 2458, A replaced by T.
Protein change: p.Thr820Ser; replaces threonine 820 with serine.
Molecular consequence: missense variant.
Genome position (GRCh38, 1-based): chr5:112,838,052, A>T. VCF-style: chr5-112838052-A-T. GRCh37 (hg19) VCF-style: chr5-112173749-A-T.
Other names: c.2458A>T, p.Thr820Ser (NM_001127510.3, NM_001354895.2); c.2404A>T, p.Thr802Ser (NM_001127511.3); c.2512A>T, p.Thr838Ser (NM_001354896.2); c.2488A>T, p.Thr830Ser (NM_001354897.2); c.2383A>T, p.Thr795Ser (NM_001354898.2); c.2374A>T, p.Thr792Ser (NM_001354899.2); c.2335A>T, p.Thr779Ser (NM_001354900.2); c.2281A>T, p.Thr761Ser (NM_001354901.2); and 5 more; short protein forms T729S, T820S, T660S, T779S, T792S, T802S, T838S, T694S.
Identifiers: ClinVar variation 1379238 (VCV001379238.6), dbSNP rs2149870006, ClinGen allele CA16026733.